The following is an entry in ClinVar:

ClinVar aggregate classification (germline): Uncertain significance (1 of 4 stars; one submission).

gnomAD v4.1: 20 of 1,004,936 alleles (0.002%); highest among the groups gnomAD compares: Non-Finnish European, 0.00072%; no homozygotes.

Submission:

Labcorp Genetics (formerly Invitae), Labcorp
Classification: Uncertain significance. Last evaluated: 2024-09-15. Review status: criteria provided, single submitter. Criteria: Invitae Variant Classification Sherloc (09022015). Collection method: clinical testing. Allele origin: germline.
Comment: This sequence change replaces proline, which is neutral and non-polar, with serine, which is neutral and polar, at codon 12 of the CTBP1 protein (p.Pro12Ser). The frequency data for this variant in the population databases is considered unreliable, as metrics indicate poor data quality at this position in the gnomAD database. This variant has not been reported in the literature in individuals affected with CTBP1-related conditions. An algorithm developed to predict the effect of missense changes on protein structure and function (PolyPhen-2) suggests that this variant is likely to be tolerated. In summary, the available evidence is currently insufficient to determine the role of this variant in disease. Therefore, it has been classified as a Variant of Uncertain Significance.

NM_001012614.2(CTBP1):c.-195C>T

Genes: CTBP1 (C-terminal binding protein 1; minus strand), LOC129991984 (ATAC-STARR-seq lymphoblastoid silent region 15125; plus strand). Cytogenetic location: 4p16.3.
Variant type: single nucleotide variant.
Coding change: c.-195C>T on transcript NM_001012614.2 (MANE Select); 195 bases upstream of the start codon, C replaced by T.
Molecular consequence: 5 prime UTR variant. On other transcripts: missense variant (2), intron variant (4).
Genome position (GRCh38, 1-based): chr4:1,248,922, G>A on the plus strand (C>T on the coding strand, the complement: CTBP1 is on the minus strand). VCF-style: chr4-1248922-G-A. GRCh37 (hg19) VCF-style: chr4-1242710-G-A.
Other names: c.34C>T, p.Pro12Ser (NM_001328.3, NM_001377186.1); c.-195C>T (NM_001377187.1); c.-189+1238C>T (NM_001377192.1, NM_001377189.1); c.-189+727C>T (NM_001377193.1, NM_001377190.1); short protein forms P12S.
Identifiers: ClinVar variation 3608644 (VCV003608644.2).
Genomic context (GRCh38, chr4:1,248,922, plus strand): 5'-CCGCCCCGCCCCGCCCCCGCCCGCGGCCGGAAACGCGCGCGCGCGCGGCCTTACCAAGCG[G>A]CAGGCCCTTGTTGAGCAAGTGCGAGCTGCCCATCGAGAGGCGCGAGCGGCCGCGGGCCCC-3'